The following is an entry in ClinVar:

NM_024675.4(PALB2):c.548del (p.Ser183fs)

Gene: PALB2 (partner and localizer of BRCA2; minus strand). Cytogenetic location: 16p12.2.
Variant type: Deletion.
Coding change: c.548del on transcript NM_024675.4 (MANE Select); coding-DNA position 548, one base deleted (G; older notation c.548delG).
Protein change: p.Ser183fs; shifts the reading frame from serine 183.
Molecular consequence: frameshift variant.
Genome position (GRCh38, 1-based): chr16:23,635,998, C deleted on the plus strand (G on the coding strand, the reverse complement: PALB2 is on the minus strand). VCF-style (leftmost placement, unchanged base first): chr16-23635997-AC-A. GRCh37 (hg19) VCF-style: chr16-23647318-AC-A.
Other names: c.548delG (NM_024675.3); short protein forms S183fs.
Identifiers: ClinVar variation 422713 (VCV000422713.7), dbSNP rs1064795953, ClinGen allele CA16620159.

ClinVar aggregate classification (germline): Pathogenic/Likely pathogenic. Review status: criteria provided, multiple submitters, no conflicts (2 of 4 stars). 2 submissions from 2 submitters: Pathogenic (1); Likely pathogenic (1). Last evaluated 2024-06-10.

Conditions:
Familial cancer of breast. Also called: Hereditary breast cancer; BREAST CANCER, FAMILIAL; hereditary breast carcinoma. Identifiers: Orphanet 227535, MedGen C0346153, MONDO:0016419, OMIM 114480. Disease mechanism: loss of function.

Submissions (2):

Labcorp Genetics (formerly Invitae), Labcorp
Classification: Pathogenic for Familial cancer of breast. Last evaluated: 2024-06-10. Review status: criteria provided, single submitter. Criteria: Invitae Variant Classification Sherloc (09022015). Collection method: clinical testing. Allele origin: germline.
Comment: This sequence change creates a premature translational stop signal (p.Ser183Ilefs*10) in the PALB2 gene. It is expected to result in an absent or disrupted protein product. Loss-of-function variants in PALB2 are known to be pathogenic (PMID: 17200668, 17200671, 17200672, 24136930, 25099575). This variant is not present in population databases (gnomAD no frequency). This variant has not been reported in the literature in individuals affected with PALB2-related conditions. ClinVar contains an entry for this variant (Variation ID: 422713). For these reasons, this variant has been classified as Pathogenic.

GeneDx
Classification: Likely pathogenic. Last evaluated: 2016-11-08. Review status: criteria provided, single submitter. Criteria: GeneDx Variant Classification (06012015). Collection method: clinical testing. Allele origin: germline. Affected: yes.
Comment: This deletion of one nucleotide in PALB2 is denoted c.548delG at the cDNA level and p.Ser183IlefsX10 (S183IfsX10) at the protein level. The normal sequence, with the base that is deleted in brackets, is ATCA[delG]TAGC. The deletion causes a frameshift which changes a Serine to an Isoleucine at codon 183, and creates a premature stop codon at position 10 of the new reading frame. Although this variant has not, to our knowledge, been reported in the literature, it is predicted to cause loss of normal protein function through either protein truncation or nonsense-mediated mRNA decay. Based on the currently available information, we consider this deletion to be a likely pathogenic variant.

Literature cited by the submitters: PubMed 17200668 (cited by Labcorp Genetics (formerly Invitae), Labcorp); PubMed 17200671 (cited by Labcorp Genetics (formerly Invitae), Labcorp); PubMed 17200672 (cited by Labcorp Genetics (formerly Invitae), Labcorp); PubMed 24136930 (cited by Labcorp Genetics (formerly Invitae), Labcorp); PubMed 25099575 (cited by Labcorp Genetics (formerly Invitae), Labcorp).